The following is an entry in ClinVar:

ClinVar aggregate classification (germline): Pathogenic (1 of 4 stars; one submission).

Conditions:
Familial cancer of breast. Also called: BREAST CANCER, FAMILIAL; Hereditary breast cancer; hereditary breast carcinoma. Identifiers: Orphanet 227535, MedGen C0346153, MONDO:0016419, OMIM 114480. Disease mechanism: loss of function.

Submission:

Myriad Genetics, Inc.
Classification: Pathogenic for Familial cancer of breast. Last evaluated: 2024-01-22. Review status: criteria provided, single submitter. Criteria: Myriad Autosomal Dominant, Autosomal Recessive and X-Linked Classification Criteria (2023). Collection method: clinical testing. Allele origin: unknown.
Comment: This variant is considered pathogenic. This variant creates a frameshift predicted to result in premature protein truncation.

NM_000051.4(ATM):c.3439del (p.Ile1147fs)

Gene: ATM (ATM serine/threonine kinase; plus strand). Cytogenetic location: 11q22.3.
Variant type: Deletion.
Coding change: c.3439del on transcript NM_000051.4 (MANE Select); coding-DNA position 3439, one base deleted (A; older notation c.3439delA).
Protein change: p.Ile1147fs; shifts the reading frame from isoleucine 1147.
Molecular consequence: frameshift variant.
Genome position (GRCh38, 1-based): chr11:108,281,031, A deleted; the last of 3 consecutive A bases (chr11:108,281,029-108,281,031); deleting any one gives the same sequence. VCF-style (leftmost placement, unchanged base first): chr11-108281028-GA-G. GRCh37 (hg19) VCF-style: chr11-108151755-GA-G.
Other names: c.3439del, p.Ile1147fs (NM_001351834.2); short protein forms I1147fs.
Identifiers: ClinVar variation 3148256 (VCV003148256.1), dbSNP rs1257016632, ClinGen allele CA2825001828.